The following is an entry in ClinVar:

ClinVar aggregate classification (germline): Uncertain significance. Review status: criteria provided, multiple submitters, no conflicts (2 of 4 stars). 2 submissions from 2 submitters: Uncertain significance (2). Last evaluated 2025-10-23.

Conditions:
Inborn genetic diseases. Identifiers: MedGen C0950123, MeSH D030342.

gnomAD v4.1: 2 of 1,613,512 alleles (0.00012%); highest among the groups gnomAD compares: Non-Finnish European, 0.00017%; no homozygotes.

Submissions (2):

Ambry Genetics
Classification: Uncertain significance for Inborn genetic diseases. Last evaluated: 2025-10-23. Review status: criteria provided, single submitter. Criteria: Ambry Variant Classification Scheme 2023. Collection method: clinical testing. Allele origin: germline.

Labcorp Genetics (formerly Invitae), Labcorp
Classification: Uncertain significance. Last evaluated: 2022-07-19. Review status: criteria provided, single submitter. Criteria: Invitae Variant Classification Sherloc (09022015). Collection method: clinical testing. Allele origin: germline.
Comment: Advanced modeling of protein sequence and biophysical properties (such as structural, functional, and spatial information, amino acid conservation, physicochemical variation, residue mobility, and thermodynamic stability) performed at Invitae indicates that this missense variant is not expected to disrupt SLC26A3 protein function. In summary, the available evidence is currently insufficient to determine the role of this variant in disease. Therefore, it has been classified as a Variant of Uncertain Significance. ClinVar contains an entry for this variant (Variation ID: 1401689). This variant has not been reported in the literature in individuals affected with SLC26A3-related conditions. This variant is not present in population databases (gnomAD no frequency). This sequence change replaces isoleucine, which is neutral and non-polar, with valine, which is neutral and non-polar, at codon 480 of the SLC26A3 protein (p.Ile480Val).

NM_000111.3(SLC26A3):c.1438A>G (p.Ile480Val)

Gene: SLC26A3 (solute carrier family 26 member 3; minus strand). Cytogenetic location: 7q22.3.
Variant type: single nucleotide variant.
Coding change: c.1438A>G on transcript NM_000111.3 (MANE Select); coding-DNA position 1438, A replaced by G.
Protein change: p.Ile480Val; replaces isoleucine 480 with valine.
Molecular consequence: missense variant.
Genome position (GRCh38, 1-based): chr7:107,778,251, T>C on the plus strand (A>G on the coding strand, the complement: SLC26A3 is on the minus strand). VCF-style: chr7-107778251-T-C. GRCh37 (hg19) VCF-style: chr7-107418696-T-C.
Other names: c.1438A>G (NM_000111.2); short protein forms I480V.
Identifiers: ClinVar variation 1401689 (VCV001401689.9), dbSNP rs1040032743, ClinGen allele CA164237172.